The following is an entry in ClinVar:

NM_001130698.2(TRPC3):c.2376C>A (p.Phe792Leu)

Gene: TRPC3 (transient receptor potential cation channel subfamily C member 3; minus strand). Cytogenetic location: 4q27.
Variant type: single nucleotide variant.
Coding change: c.2376C>A on transcript NM_001130698.2 (MANE Select); coding-DNA position 2376, C replaced by A.
Protein change: p.Phe792Leu; replaces phenylalanine 792 with leucine.
Molecular consequence: missense variant.
Genome position (GRCh38, 1-based): chr4:121,902,939, G>T on the plus strand (C>A on the coding strand, the complement: TRPC3 is on the minus strand). VCF-style: chr4-121902939-G-T. GRCh37 (hg19) VCF-style: chr4-122824094-G-T.
Other names: c.2376C>A, p.Phe792Leu (NM_001366479.2); c.2157C>A, p.Phe719Leu (NM_003305.2); short protein forms F719L, F792L.
Identifiers: ClinVar variation 2746825 (VCV002746825.3), dbSNP rs2476787838, ClinGen allele CA358052652.

ClinVar aggregate classification (germline): Uncertain significance (1 of 4 stars; one submission).

Submission:

Labcorp Genetics (formerly Invitae), Labcorp
Classification: Uncertain significance. Last evaluated: 2023-07-25. Review status: criteria provided, single submitter. Criteria: Invitae Variant Classification Sherloc (09022015). Collection method: clinical testing. Allele origin: germline.
Comment: Advanced modeling of protein sequence and biophysical properties (such as structural, functional, and spatial information, amino acid conservation, physicochemical variation, residue mobility, and thermodynamic stability) performed at Invitae indicates that this missense variant is not expected to disrupt TRPC3 protein function. Algorithms developed to predict the effect of sequence changes on RNA splicing suggest that this variant may disrupt the consensus splice site. In summary, the available evidence is currently insufficient to determine the role of this variant in disease. Therefore, it has been classified as a Variant of Uncertain Significance. This variant has not been reported in the literature in individuals affected with TRPC3-related conditions. This sequence change replaces phenylalanine, which is neutral and non-polar, with leucine, which is neutral and non-polar, at codon 792 of the TRPC3 protein (p.Phe792Leu). This variant is not present in population databases (gnomAD no frequency).